The following is an entry in ClinVar:

ClinVar aggregate classification (germline): Uncertain significance. Review status: criteria provided, multiple submitters, no conflicts (2 of 4 stars). 2 submissions from 2 submitters: Uncertain significance (2). Last evaluated 2024-02-17.

Allele frequency attached by ClinVar (database versions not stated): gnomAD exomes 0.00001 and 0.00003; ExAC 0.00002.
gnomAD v4.1: 38 of 1,614,020 alleles (0.0024%); highest among the groups gnomAD compares: South Asian, 0.0055%; no homozygotes.

Submissions (2):

Labcorp Genetics (formerly Invitae), Labcorp
Classification: Uncertain significance. Last evaluated: 2024-02-17. Review status: criteria provided, single submitter. Criteria: Invitae Variant Classification Sherloc (09022015). Collection method: clinical testing. Allele origin: germline.
Comment: This sequence change replaces histidine, which is basic and polar, with tyrosine, which is neutral and polar, at codon 1763 of the CEP250 protein (p.His1763Tyr). This variant is present in population databases (rs370916610, gnomAD 0.003%). This variant has not been reported in the literature in individuals affected with CEP250-related conditions. ClinVar contains an entry for this variant (Variation ID: 1465053). An algorithm developed to predict the effect of missense changes on protein structure and function (PolyPhen-2) suggests that this variant is likely to be disruptive. In summary, the available evidence is currently insufficient to determine the role of this variant in disease. Therefore, it has been classified as a Variant of Uncertain Significance.

Blueprint Genetics
Classification: Uncertain significance. Last evaluated: 2023-07-13. Review status: criteria provided, single submitter. Criteria: ACMG Guidelines, 2015. Collection method: clinical testing. Allele origin: germline.

NM_007186.6(CEP250):c.5287C>T (p.His1763Tyr)

Gene: CEP250 (centrosomal protein 250; plus strand). Cytogenetic location: 20q11.22.
Variant type: single nucleotide variant.
Coding change: c.5287C>T on transcript NM_007186.6 (MANE Select); coding-DNA position 5287, C replaced by T.
Protein change: p.His1763Tyr; replaces histidine 1763 with tyrosine.
Molecular consequence: missense variant.
Genome position (GRCh38, 1-based): chr20:35,503,656, C>T. VCF-style: chr20-35503656-C-T. GRCh37 (hg19) VCF-style: chr20-34091484-C-T.
Other names: c.3391C>T, p.His1131Tyr (NM_001318219.1); short protein forms H1131Y, H1763Y.
Identifiers: ClinVar variation 1465053 (VCV001465053.6), dbSNP rs370916610, ClinGen allele CA9833863.